The following is an entry in ClinVar:

ClinVar aggregate classification (germline): Uncertain significance (1 of 4 stars; one submission).

Conditions:
Hereditary cancer-predisposing syndrome. Also called: Neoplastic Syndromes, Hereditary; Tumor predisposition; Hereditary Cancer Syndrome; Hereditary neoplastic syndrome. Identifiers: Orphanet 140162, MedGen C0027672, MeSH D009386, MONDO:0015356.

Submission:

Ambry Genetics
Classification: Uncertain significance for Hereditary cancer-predisposing syndrome. Last evaluated: 2026-05-16. Review status: criteria provided, single submitter. Criteria: Ambry Variant Classification Scheme 2023. Collection method: clinical testing. Allele origin: germline.
Comment: The p.E192A variant (also known as c.575A>C), located in coding exon 5 of the APC gene, results from an A to C substitution at nucleotide position 575. The glutamic acid at codon 192 is replaced by alanine, an amino acid with dissimilar properties. This amino acid position is conserved. In addition, in silico predictors for this gene do not accurately predict pathogenicity. Based on the available evidence, the clinical significance of this variant remains unclear.

NM_000038.6(APC):c.575A>C (p.Glu192Ala)

Gene: APC (APC regulator of Wnt signaling pathway; plus strand). Cytogenetic location: 5q22.2.
Variant type: single nucleotide variant.
Coding change: c.575A>C on transcript NM_000038.6 (MANE Select); coding-DNA position 575, A replaced by C.
Protein change: p.Glu192Ala; replaces glutamic acid 192 with alanine.
Molecular consequence: missense variant. On other transcripts: 5 prime UTR variant (4), non-coding transcript variant (2).
Genome position (GRCh38, 1-based): chr5:112,780,833, A>C. VCF-style: chr5-112780833-A-C. GRCh37 (hg19) VCF-style: chr5-112116530-A-C.
Other names: c.575A>C, p.Glu192Ala (NM_001354896.2, NM_001354899.2, NM_001354903.2 and 16 more transcripts); c.605A>C, p.Glu202Ala (NM_001354897.2, NM_001354902.2, NM_001127511.3 and 1 more transcripts); c.500A>C, p.Glu167Ala (NM_001354898.2, NM_001354904.2, NM_001407451.1); c.398A>C, p.Glu133Ala (NM_001354900.2, NM_001354901.2, NM_001354905.2 and 1 more transcripts); c.-461A>C (NM_001354906.2, NM_001407470.1, NM_001407471.1 and 1 more transcripts); short protein forms E133A, E167A, E192A, E202A.
Identifiers: ClinVar variation 4861713 (VCV004861713.1).
Genomic context (GRCh38, chr5:112,780,833, plus strand): 5'-ATTATTTGTGGTTTTAGTTTTCCTTACAAACAGATATGACCAGAAGGCAATTGGAATATG[A>C]AGCAAGGCAAATCAGAGTTGCGATGGAAGAACAACTAGGTACCTGCCAGGATATGGAAAA-3'
Protein context (NP_000029.2, residues 182-202): TDMTRRQLEY[Glu192Ala]ARQIRVAMEE